The following is an entry in ClinVar:

ClinVar aggregate classification (germline): Likely benign (0 of 4 stars; one submission).

Conditions:
CREBBP-related disorder. Also called: CREBBP-related condition; CREBBP-related disorders.

Submission:

PreventionGenetics, part of Exact Sciences
Classification: Likely benign for CREBBP-related condition. Last evaluated: 2023-02-14. Review status: no assertion criteria provided. Collection method: clinical testing. Allele origin: germline.
Comment: This variant is classified as likely benign based on ACMG/AMP sequence variant interpretation guidelines (Richards et al. 2015 PMID: 25741868, with internal and published modifications).

NM_004380.3(CREBBP):c.6162C>G (p.Pro2054=)

Gene: CREBBP (CREB binding lysine acetyltransferase; minus strand). Cytogenetic location: 16p13.3.
Variant type: single nucleotide variant.
Coding change: c.6162C>G on transcript NM_004380.3 (MANE Select); coding-DNA position 6162, C replaced by G.
Protein change: p.Pro2054=; no amino-acid change (proline 2054 retained).
Molecular consequence: synonymous variant.
Genome position (GRCh38, 1-based): chr16:3,728,885, G>C on the plus strand (C>G on the coding strand, the complement: CREBBP is on the minus strand). VCF-style: chr16-3728885-G-C. GRCh37 (hg19) VCF-style: chr16-3778886-G-C.
Other names: c.6048C>G, p.Pro2016= (NM_001079846.1).
Identifiers: ClinVar variation 3356510 (VCV003356510.1).
Genomic context (GRCh38, chr16:3,728,885, plus strand): 5'-CAGGGTCCGCAGCAGGTCTTGCAGAGCGCTGGGTGAGATGCTCCTGGGTGGCTGCACGCT[G>C]GGCATCCGGGGCCCAGCCACGGCCGCCTGGGCCTGCATGGATATCACAGGCCTGGGCAAG-3'
Protein context (NP_004371.2, residues 2044-2064): AQAAVAGPRM[Pro2054=]SVQPPRSISP